The following is an entry in ClinVar:

ClinVar aggregate classification (germline): Pathogenic. Review status: criteria provided, single submitter (1 of 4 stars). 2 submissions from 2 submitters: Pathogenic (1). 1 of the submissions does not count toward it. Last evaluated 2022-11-23.

Conditions:
Complement component 9 deficiency (C9D). Also called: C9 deficiency. Identifiers: MedGen C3151189, MONDO:0013445, OMIM 613825.

gnomAD v4.1: 3 of 1,614,102 alleles (0.00019%); highest among the groups gnomAD compares: Non-Finnish European, 0.00025%; no homozygotes.

Submissions (2):

Labcorp Genetics (formerly Invitae), Labcorp
Classification: Pathogenic. Last evaluated: 2022-11-23. Review status: criteria provided, single submitter. Criteria: Invitae Variant Classification Sherloc (09022015). Collection method: clinical testing. Allele origin: germline.
Comment: This sequence change creates a premature translational stop signal (p.Cys125*) in the C9 gene. It is expected to result in an absent or disrupted protein product. Loss-of-function variants in C9 are known to be pathogenic (PMID: 9144525, 9570574). This variant is not present in population databases (gnomAD no frequency). This variant has not been reported in the literature in individuals affected with C9-related conditions. ClinVar contains an entry for this variant (Variation ID: 973622). For these reasons, this variant has been classified as Pathogenic.

UOSD Laboratory of Genetics & Genomics of Rare Diseases, Istituto Giannina Gaslini
Classification: Pathogenic for Complement component 9 deficiency. Last evaluated: 2020-05-21. Review status: no assertion criteria provided. Collection method: clinical testing. Allele origin: germline. Affected: yes. Observed: 1 variant allele. Not counted in ClinVar's aggregate classification.

Literature cited by the submitters: PubMed 9144525 (cited by Labcorp Genetics (formerly Invitae), Labcorp); PubMed 9570574 (cited by Labcorp Genetics (formerly Invitae), Labcorp).

NM_001737.5(C9):c.375C>A (p.Cys125Ter)

Gene: C9 (complement C9; minus strand). Cytogenetic location: 5p13.1.
Variant type: single nucleotide variant.
Coding change: c.375C>A on transcript NM_001737.5 (MANE Select); coding-DNA position 375, C replaced by A.
Protein change: p.Cys125Ter; replaces cysteine 125 with a stop codon.
Molecular consequence: nonsense.
Genome position (GRCh38, 1-based): chr5:39,341,247, G>T on the plus strand (C>A on the coding strand, the complement: C9 is on the minus strand). VCF-style: chr5-39341247-G-T. GRCh37 (hg19) VCF-style: chr5-39341349-G-T.
Other names: short protein forms C125*.
Identifiers: ClinVar variation 973622 (VCV000973622.4), dbSNP rs145434331, ClinGen allele CA359562965.